The following is an entry in ClinVar:

NM_012073.5(CCT5):c.377G>A (p.Arg126Gln)

Gene: CCT5 (chaperonin containing TCP1 subunit 5; plus strand). Cytogenetic location: 5p15.2.
Variant type: single nucleotide variant.
Coding change: c.377G>A on transcript NM_012073.5 (MANE Select); coding-DNA position 377, G replaced by A.
Protein change: p.Arg126Gln; replaces arginine 126 with glutamine.
Molecular consequence: missense variant.
Genome position (GRCh38, 1-based): chr5:10,256,000, G>A. VCF-style: chr5-10256000-G-A. GRCh37 (hg19) VCF-style: chr5-10256112-G-A.
Other names: c.314G>A, p.Arg105Gln (NM_001306153.1); c.212G>A, p.Arg71Gln (NM_001306154.2); c.98G>A, p.Arg33Gln (NM_001306155.2); c.263G>A, p.Arg88Gln (NM_001306156.2); short protein forms R126Q, R71Q, R88Q, R33Q, R105Q.
Identifiers: ClinVar variation 575910 (VCV000575910.8), dbSNP rs369788570, ClinGen allele CA113880484.

ClinVar aggregate classification (germline): Uncertain significance (1 of 4 stars; one submission).

Conditions:
Hereditary sensory and autonomic neuropathy with spastic paraplegia (HSNSP). Identifiers: Orphanet 139578, MedGen C1850395, MONDO:0009748, OMIM 256840.

Allele frequency attached by ClinVar (database versions not stated): gnomAD 0.00001; gnomAD exomes 0.00001 and 0.00004; TOPMed 0.00001; ESP Exome Variant Server 0.00008.

Submission:

Labcorp Genetics (formerly Invitae), Labcorp
Classification: Uncertain significance for Hereditary sensory and autonomic neuropathy with spastic paraplegia. Last evaluated: 2022-07-06. Review status: criteria provided, single submitter. Criteria: Invitae Variant Classification Sherloc (09022015). Collection method: clinical testing. Allele origin: germline.
Comment: This sequence change replaces arginine, which is basic and polar, with glutamine, which is neutral and polar, at codon 126 of the CCT5 protein (p.Arg126Gln). This variant is present in population databases (rs369788570, gnomAD 0.002%). This variant has not been reported in the literature in individuals affected with CCT5-related conditions. ClinVar contains an entry for this variant (Variation ID: 575910). Algorithms developed to predict the effect of missense changes on protein structure and function are either unavailable or do not agree on the potential impact of this missense change (SIFT: "Deleterious"; PolyPhen-2: "Benign"; Align-GVGD: "Class C0"). In summary, the available evidence is currently insufficient to determine the role of this variant in disease. Therefore, it has been classified as a Variant of Uncertain Significance.